The following is an entry in ClinVar:

NM_177438.3(DICER1):c.1603G>T (p.Val535Phe)

Gene: DICER1 (dicer 1, ribonuclease III; minus strand). Cytogenetic location: 14q32.13.
Variant type: single nucleotide variant.
Coding change: c.1603G>T on transcript NM_177438.3 (MANE Select); coding-DNA position 1603, G replaced by T.
Protein change: p.Val535Phe; replaces valine 535 with phenylalanine.
Molecular consequence: missense variant.
Genome position (GRCh38, 1-based): chr14:95,116,602, C>A on the plus strand (G>T on the coding strand, the complement: DICER1 is on the minus strand). VCF-style: chr14-95116602-C-A. GRCh37 (hg19) VCF-style: chr14-95582939-C-A.
Other names: c.1603G>T, p.Val535Phe (NM_001195573.1, NM_001271282.3, NM_001291628.2 and 1 more transcripts); short protein forms V535F.
Identifiers: ClinVar variation 845807 (VCV000845807.11), dbSNP rs1892497042, ClinGen allele CA390884977.

ClinVar aggregate classification (germline): Uncertain significance. Review status: criteria provided, multiple submitters, no conflicts (2 of 4 stars). 4 submissions from 4 submitters: Uncertain significance (4). Last evaluated 2026-02-03.

Conditions:
DICER1-related tumor predisposition. Also called: DICER1 syndrome; DICER1-related pleuropulmonary blastoma cancer predisposition syndrome. Identifiers: Orphanet 284343, MedGen C3839822, MONDO:0100216.
Global developmental delay - lung cysts - overgrowth - Wilms tumor syndrome. Also called: GLOW Syndrome; GLOBAL DEVELOPMENTAL DELAY, LUNG CYSTS, OVERGROWTH, AND WILMS TUMOR. Identifiers: Orphanet 404476, MedGen C4748924, MONDO:0018445, OMIM 618272.
Hereditary cancer-predisposing syndrome. Also called: Neoplastic Syndromes, Hereditary; Hereditary neoplastic syndrome; Tumor predisposition; Hereditary Cancer Syndrome. Identifiers: Orphanet 140162, MedGen C0027672, MeSH D009386, MONDO:0015356.

Submissions (4):

Labcorp Genetics (formerly Invitae), Labcorp
Classification: Uncertain significance for DICER1-related tumor predisposition. Last evaluated: 2026-02-03. Review status: criteria provided, single submitter. Criteria: Invitae Variant Classification Sherloc (09022015). Collection method: clinical testing. Allele origin: germline.
Comment: This sequence change replaces valine, which is neutral and non-polar, with phenylalanine, which is neutral and non-polar, at codon 535 of the DICER1 protein (p.Val535Phe). This variant is not present in population databases (gnomAD no frequency). This variant has not been reported in the literature in individuals affected with DICER1-related conditions. ClinVar contains an entry for this variant (Variation ID: 845807). Invitae Evidence Modeling of protein sequence and biophysical properties (such as structural, functional, and spatial information, amino acid conservation, physicochemical variation, residue mobility, and thermodynamic stability) indicates that this missense variant is expected to disrupt DICER1 protein function with a positive predictive value of 95%. Studies have shown this missense change is associated with skipping of part of exon 10, but one or more of the resulting mRNA isoform(s) may be naturally occurring (internal data). In summary, the available evidence is currently insufficient to determine the role of this variant in disease. Therefore, it has been classified as a Variant of Uncertain Significance.

GeneDx
Classification: Uncertain significance. Last evaluated: 2024-06-09. Review status: criteria provided, single submitter. Criteria: GeneDx Variant Classification Process June 2021. Collection method: clinical testing. Allele origin: germline. Affected: yes.
Comment: Not observed at significant frequency in large population cohorts (gnomAD); In silico analysis supports that this missense variant has a deleterious effect on protein structure/function; Has not been previously published as pathogenic or benign to our knowledge; In silico analysis suggests this variant may impact gene splicing. In the absence of RNA/functional studies, the actual effect of this sequence change is unknown

Ambry Genetics
Classification: Uncertain significance for Hereditary cancer-predisposing syndrome. Last evaluated: 2024-05-14. Review status: criteria provided, single submitter. Criteria: Ambry Variant Classification Scheme 2023. Collection method: clinical testing. Allele origin: germline.
Comment: The p.V535F variant (also known as c.1603G>T), located in coding exon 9 of the DICER1 gene, results from a G to T substitution at nucleotide position 1603. The valine at codon 535 is replaced by phenylalanine, an amino acid with highly similar properties. This amino acid position is conserved. In addition, this alteration is predicted to be deleterious by in silico analysis. Based on the available evidence, the clinical significance of this variant remains unclear.

Baylor Genetics
Classification: Uncertain significance for Global developmental delay - lung cysts - overgrowth - Wilms tumor syndrome. Last evaluated: 2023-08-18. Review status: criteria provided, single submitter. Criteria: ACMG Guidelines, 2015. Collection method: clinical testing. Allele origin: unknown.